The following is an entry in ClinVar:

NM_000081.4(LYST):c.1767A>C (p.Lys589Asn)

Gene: LYST (lysosomal trafficking regulator; minus strand). Cytogenetic location: 1q42.3.
Variant type: single nucleotide variant.
Coding change: c.1767A>C on transcript NM_000081.4 (MANE Select); coding-DNA position 1767, A replaced by C.
Protein change: p.Lys589Asn; replaces lysine 589 with asparagine.
Molecular consequence: missense variant.
Genome position (GRCh38, 1-based): chr1:235,809,051, T>G on the plus strand (A>C on the coding strand, the complement: LYST is on the minus strand). VCF-style: chr1-235809051-T-G. GRCh37 (hg19) VCF-style: chr1-235972351-T-G.
Other names: c.1767A>C, p.Lys589Asn (NM_001301365.1); c.1767A>C (NM_000081.2); short protein forms K589N.
Identifiers: ClinVar variation 665202 (VCV000665202.7), dbSNP rs747281781, ClinGen allele CA1467403.
Genomic context (GRCh38, chr1:235,809,051, plus strand): 5'-CTGCTGAAAATTTTTCAGTGCTGGCAATTTAAAAGCATGGAGCAAAGGAATGATTACAGA[T>G]TTGGGATCCATACAACAGCATATTCCAATGTTATGAACACCCGATAGGATCTGGACACAA-3'
Protein context (NP_000072.2, residues 579-599): NIGICCCMDP[Lys589Asn]SVIIPLLHAF

ClinVar aggregate classification (germline): Uncertain significance. Review status: criteria provided, multiple submitters, no conflicts (2 of 4 stars). 2 submissions from 2 submitters: Uncertain significance (2). Last evaluated 2025-08-08.

Conditions:
Inborn genetic diseases. Identifiers: MedGen C0950123, MeSH D030342.
Chédiak-Higashi syndrome (CHS). Also called: Chediak-Higashi Syndrome. Identifiers: Orphanet 167, MedGen C0007965, MONDO:0008963, OMIM 214500.

Allele frequency attached by ClinVar (database versions not stated): ExAC 0.00002; gnomAD exomes 0.00001.
gnomAD v4.1: 16 of 1,614,122 alleles (0.00099%); highest among the groups gnomAD compares: Non-Finnish European, 0.0014%; no homozygotes.

Submissions (2):

Ambry Genetics
Classification: Uncertain significance for Inborn genetic diseases. Last evaluated: 2025-08-08. Review status: criteria provided, single submitter. Criteria: Ambry Variant Classification Scheme 2023. Collection method: clinical testing. Allele origin: germline.

Labcorp Genetics (formerly Invitae), Labcorp
Classification: Uncertain significance for Chédiak-Higashi syndrome. Last evaluated: 2022-08-21. Review status: criteria provided, single submitter. Criteria: Invitae Variant Classification Sherloc (09022015). Collection method: clinical testing. Allele origin: germline.
Comment: This sequence change replaces lysine, which is basic and polar, with asparagine, which is neutral and polar, at codon 589 of the LYST protein (p.Lys589Asn). This variant is present in population databases (rs747281781, gnomAD 0.004%). This variant has not been reported in the literature in individuals affected with LYST-related conditions. ClinVar contains an entry for this variant (Variation ID: 665202). Algorithms developed to predict the effect of missense changes on protein structure and function (SIFT, PolyPhen-2, Align-GVGD) all suggest that this variant is likely to be tolerated. In summary, the available evidence is currently insufficient to determine the role of this variant in disease. Therefore, it has been classified as a Variant of Uncertain Significance.